The following is an entry in ClinVar:

ClinVar aggregate classification (germline): Uncertain significance (1 of 4 stars; one submission).

Conditions:
Neuropathy, hereditary sensory and autonomic, type 2A (HSAN2A). Also called: ACROOSTEOLYSIS, GIACCAI TYPE; ACROOSTEOLYSIS, NEUROGENIC; HSAN IIA; NEUROPATHY, HEREDITARY SENSORY, TYPE IIA; NEUROPATHY, PROGRESSIVE SENSORY, OF CHILDREN; WNK1-Related HSAN2 (HSAN2A). Identifiers: Orphanet 970, MedGen C2752089, MONDO:0024309, OMIM 201300.
Generalized epilepsy with febrile seizures plus, type 7 (GEFSP7). Also called: GEFS+, TYPE 7. Identifiers: Orphanet 36387, MedGen C2751778, MONDO:0013470, OMIM 613863.

Allele frequency attached by ClinVar (database versions not stated): gnomAD exomes below 0.00001; gnomAD 0.00001; ExAC 0.00002; TOPMed 0.00002; ESP Exome Variant Server 0.00008.
gnomAD v4.1: 57 of 1,587,806 alleles (0.0036%); highest among the groups gnomAD compares: Non-Finnish European, 0.0048%; no homozygotes.

Submission:

Labcorp Genetics (formerly Invitae), Labcorp
Classification: Uncertain significance for Neuropathy, hereditary sensory and autonomic, type 2A; Generalized epilepsy with febrile seizures plus, type 7. Last evaluated: 2025-02-04. Review status: criteria provided, single submitter. Criteria: Invitae Variant Classification Sherloc (09022015). Collection method: clinical testing. Allele origin: germline.
Comment: This sequence change replaces aspartic acid, which is acidic and polar, with alanine, which is neutral and non-polar, at codon 736 of the SCN9A protein (p.Asp736Ala). This variant is present in population databases (rs201744417, gnomAD 0.001%). This variant has not been reported in the literature in individuals affected with SCN9A-related conditions. ClinVar contains an entry for this variant (Variation ID: 849132). Invitae Evidence Modeling of protein sequence and biophysical properties (such as structural, functional, and spatial information, amino acid conservation, physicochemical variation, residue mobility, and thermodynamic stability) has been performed for this missense variant. However, the output from this modeling did not meet the statistical confidence thresholds required to predict the impact of this variant on SCN9A protein function. In summary, the available evidence is currently insufficient to determine the role of this variant in disease. Therefore, it has been classified as a Variant of Uncertain Significance.

NM_001365536.1(SCN9A):c.2240A>C (p.Asp747Ala)

Genes: SCN9A (sodium voltage-gated channel alpha subunit 9; minus strand), SCN1A-AS1 (SCN1A and SCN9A antisense RNA 1; plus strand). Cytogenetic location: 2q24.3.
Variant type: single nucleotide variant.
Coding change: c.2240A>C on transcript NM_001365536.1 (MANE Select); coding-DNA position 2240, A replaced by C.
Protein change: p.Asp747Ala; replaces aspartic acid 747 with alanine.
Molecular consequence: missense variant.
Genome position (GRCh38, 1-based): chr2:166,280,460, T>G on the plus strand (A>C on the coding strand, the complement: SCN9A is on the minus strand). VCF-style: chr2-166280460-T-G. GRCh37 (hg19) VCF-style: chr2-167136970-T-G.
Other names: c.2207A>C, p.Asp736Ala (NM_002977.4); short protein forms D747A, D736A.
Identifiers: ClinVar variation 849132 (VCV000849132.10), dbSNP rs201744417, ClinGen allele CA1944307.